The following is an entry in ClinVar:

NM_002613.5(PDPK1):c.1656C>T (p.Asp552=)

Gene: PDPK1 (3-phosphoinositide dependent protein kinase 1; plus strand). Cytogenetic location: 16p13.3.
Variant type: single nucleotide variant.
Coding change: c.1656C>T on transcript NM_002613.5 (MANE Select); coding-DNA position 1656, C replaced by T.
Protein change: p.Asp552=; no amino-acid change (aspartic acid 552 retained).
Molecular consequence: synonymous variant. On other transcripts: 3 prime UTR variant (1).
Genome position (GRCh38, 1-based): chr16:2,597,752, C>T. VCF-style: chr16-2597752-C-T. GRCh37 (hg19) VCF-style: chr16-2647753-C-T.
Other names: c.*80C>T (NM_001261816.2); c.1275C>T, p.Asp425= (NM_031268.6).
Identifiers: ClinVar variation 3046732 (VCV003046732.2), dbSNP rs201375554, ClinGen allele CA7845759.

ClinVar aggregate classification (germline): Likely benign (0 of 4 stars; one submission).

Conditions:
PDPK1-related disorder. Also called: PDPK1-related condition.

Allele frequency attached by ClinVar (database versions not stated): gnomAD 0.00006; TOPMed 0.00006; ExAC 0.00010; gnomAD exomes 0.00011.
gnomAD v4.1: 164 of 1,611,458 alleles (0.01%); highest among the groups gnomAD compares: Non-Finnish European, 0.012%; no homozygotes.

Submission:

PreventionGenetics, part of Exact Sciences
Classification: Likely benign for PDPK1-related condition. Last evaluated: 2019-02-27. Review status: no assertion criteria provided. Collection method: clinical testing. Allele origin: germline.
Comment: This variant is classified as likely benign based on ACMG/AMP sequence variant interpretation guidelines (Richards et al. 2015 PMID: 25741868, with internal and published modifications).